The following is an entry in ClinVar:

NM_001079802.2(FKTN):c.1055G>A (p.Ser352Asn)

Gene: FKTN (fukutin; plus strand). Cytogenetic location: 9q31.2.
Variant type: single nucleotide variant.
Coding change: c.1055G>A on transcript NM_001079802.2 (MANE Select); coding-DNA position 1055, G replaced by A.
Protein change: p.Ser352Asn; replaces serine 352 with asparagine.
Molecular consequence: missense variant. On other transcripts: non-coding transcript variant (2).
Genome position (GRCh38, 1-based): chr9:105,619,944, G>A. VCF-style: chr9-105619944-G-A. GRCh37 (hg19) VCF-style: chr9-108382225-G-A.
Other names: c.1055G>A, p.Ser352Asn (NM_001198963.2, NM_001351496.2, NM_001351498.2 and 1 more transcripts); c.986G>A, p.Ser329Asn (NM_001351497.2); c.659G>A, p.Ser220Asn (NM_001351499.2, NM_001351500.2, NM_001351501.2 and 1 more transcripts); short protein forms S329N, S352N, S220N.
Identifiers: ClinVar variation 2071394 (VCV002071394.4), dbSNP rs2539749075, ClinGen allele CA374377713.

ClinVar aggregate classification (germline): Uncertain significance (1 of 4 stars; one submission).

Conditions:
Walker-Warburg congenital muscular dystrophy. Also called: Muscular dystrophy-dystroglycanopathy, type A; Walker-Warburg syndrome. Identifiers: Orphanet 899, MedGen C0265221, MONDO:0000171.

Submission:

Labcorp Genetics (formerly Invitae), Labcorp
Classification: Uncertain significance for Walker-Warburg congenital muscular dystrophy. Last evaluated: 2022-06-02. Review status: criteria provided, single submitter. Criteria: Invitae Variant Classification Sherloc (09022015). Collection method: clinical testing. Allele origin: germline.
Comment: This variant has not been reported in the literature in individuals affected with FKTN-related conditions. This variant is not present in population databases (gnomAD no frequency). This sequence change replaces serine, which is neutral and polar, with asparagine, which is neutral and polar, at codon 352 of the FKTN protein (p.Ser352Asn). In summary, the available evidence is currently insufficient to determine the role of this variant in disease. Therefore, it has been classified as a Variant of Uncertain Significance. Algorithms developed to predict the effect of missense changes on protein structure and function (SIFT, PolyPhen-2, Align-GVGD) all suggest that this variant is likely to be disruptive.